The following is an entry in ClinVar:

NM_001089.3(ABCA3):c.2749G>A (p.Ala917Thr)

Gene: ABCA3 (ATP binding cassette subfamily A member 3; minus strand). Cytogenetic location: 16p13.3.
Variant type: single nucleotide variant.
Coding change: c.2749G>A on transcript NM_001089.3 (MANE Select); coding-DNA position 2749, G replaced by A.
Protein change: p.Ala917Thr; replaces alanine 917 with threonine.
Molecular consequence: missense variant.
Genome position (GRCh38, 1-based): chr16:2,288,281, C>T on the plus strand (G>A on the coding strand, the complement: ABCA3 is on the minus strand). VCF-style: chr16-2288281-C-T. GRCh37 (hg19) VCF-style: chr16-2338282-C-T.
Other names: short protein forms A917T.
Identifiers: ClinVar variation 1795518 (VCV001795518.2), dbSNP rs746588103, ClinGen allele CA7840707.

ClinVar aggregate classification (germline): Uncertain significance (1 of 4 stars; one submission).

Conditions:
Hereditary pulmonary alveolar proteinosis. Also called: Pulmonary surfactant metabolism dysfunction. Identifiers: Orphanet 264675, MedGen C3711368, MONDO:0012580.

Allele frequency attached by ClinVar (database versions not stated): gnomAD exomes below 0.00001; gnomAD 0.00001; TOPMed 0.00003; ExAC 0.00008.
gnomAD v4.1: 8 of 1,579,888 alleles (0.00051%); highest among the groups gnomAD compares: East Asian, 0.0023%; no homozygotes.

Submission:

Ambry Genetics
Classification: Uncertain significance for Hereditary pulmonary alveolar proteinosis. Last evaluated: 2016-04-26. Review status: criteria provided, single submitter. Criteria: Ambry Variant Classification Scheme 2023. Collection method: clinical testing. Allele origin: germline.
Comment: The p.A917T variant (also known as c.2749G>A), located in coding exon 18 of the ABCA3 gene, results from a G to A substitution at nucleotide position 2749. The alanine at codon 917 is replaced by threonine, an amino acid with similar properties. This variant was not reported in population based cohorts in the following databases: Database of Single Nucleotide Polymorphisms (dbSNP), NHLBI Exome Sequencing Project (ESP), and 1000 Genomes Project. In the ESP, this variant was not observed in 6496 samples (12992 alleles) with coverage at this position. This amino acid position is poorly conserved in available vertebrate species. In addition, this alteration is predicted to be tolerated by in silico analysis. Since supporting evidence is limited at this time, the clinical significance of this variant remains unclear.